The following is an entry in ClinVar:

NM_033305.3(VPS13A):c.2910A>G (p.Glu970=)

Gene: VPS13A (vacuolar protein sorting 13 homolog A; plus strand). Cytogenetic location: 9q21.2.
Variant type: single nucleotide variant.
Coding change: c.2910A>G on transcript NM_033305.3 (MANE Select); coding-DNA position 2910, A replaced by G.
Protein change: p.Glu970=; no amino-acid change (glutamic acid 970 retained).
Molecular consequence: synonymous variant.
Genome position (GRCh38, 1-based): chr9:77,281,872, A>G. VCF-style: chr9-77281872-A-G. GRCh37 (hg19) VCF-style: chr9-79896788-A-G.
Other names: c.2910A>G, p.Glu970= (NM_001018037.2, NM_001018038.3, NM_015186.4).
Identifiers: ClinVar variation 695481 (VCV000695481.21), dbSNP rs115565179, ClinGen allele CA5092093.

ClinVar aggregate classification (germline): Benign/Likely benign. Review status: criteria provided, multiple submitters, no conflicts (2 of 4 stars). 6 submissions from 6 submitters: Benign (4); Likely benign (1). 1 of the submissions does not count toward it. Last evaluated 2026-02-04.

Conditions:
VPS13A-related disorder. Also called: VPS13A-related condition.
VPS13A-related neurodegenerative disease. Also called: Choreaacanthocytosis; Choreoacanthocytosis; Chorea-acanthocytosis; LEVINE-CRITCHLEY SYNDROME; VPS13A Disease; ACANTHOCYTOSIS WITH NEUROLOGIC DISORDER. Identifiers: Orphanet 2388, MedGen C0393576, MONDO:0008695, OMIM 200150.

Allele frequency attached by ClinVar (database versions not stated): gnomAD exomes 0.00086 and 0.00240; ExAC 0.00288; 1000 Genomes Project 0.00839; gnomAD 0.00867 and 0.00932; 1000 Genomes Project 30x 0.00890; ESP Exome Variant Server 0.01002; TOPMed 0.01073.
gnomAD v4.1: 2,590 of 1,601,962 alleles (0.16%); highest among the groups gnomAD compares: African/African-American, 3.1%; 40 homozygotes.

Submissions (6):

Labcorp Genetics (formerly Invitae), Labcorp
Classification: Benign. Last evaluated: 2026-02-04. Review status: criteria provided, single submitter. Criteria: Invitae Variant Classification Sherloc (09022015). Collection method: clinical testing. Allele origin: germline.

PreventionGenetics, part of Exact Sciences
Classification: Likely benign for VPS13A-related condition. Last evaluated: 2025-07-02. Review status: criteria provided, single submitter. Criteria: ACMG Guidelines, 2015. Collection method: clinical testing. Allele origin: germline.
Comment: This variant is classified as likely benign based on ACMG/AMP sequence variant interpretation guidelines (Richards et al. 2015 PMID: 25741868, with internal and published modifications).

Athena Diagnostics
Classification: Benign. Last evaluated: 2024-06-06. Review status: criteria provided, single submitter. Criteria: Athena Diagnostics Criteria. Collection method: clinical testing. Allele origin: unknown.

GeneDx
Classification: Benign. Last evaluated: 2018-10-25. Review status: criteria provided, single submitter. Criteria: GeneDx Variant Classification Process June 2021. Collection method: clinical testing. Allele origin: germline. Affected: yes.

Illumina Laboratory Services, Illumina
Classification: Benign for VPS13A-related neurodegenerative disease. Last evaluated: 2018-01-13. Review status: criteria provided, single submitter. Criteria: ICSL Variant Classification Criteria 13 December 2019. Collection method: clinical testing. Allele origin: germline.
Comment: This variant was observed in the ICSL laboratory as part of a predisposition screen in an ostensibly healthy population. It had not been previously curated by ICSL or reported in the Human Gene Mutation Database (HGMD: prior to June 1st, 2018), and was therefore a candidate for classification through an automated scoring system. Utilizing variant allele frequency, disease prevalence and penetrance estimates, and inheritance mode, an automated score was calculated to assess if this variant is too frequent to cause the disease. Based on the score and internal cut-off values, a variant classified as benign is not then subjected to further curation. The score for this variant resulted in a classification of benign for this disease.

Natera, Inc.
Classification: Benign for Choreaacanthocytosis. Last evaluated: 2020-09-16. Review status: no assertion criteria provided. Collection method: clinical testing. Allele origin: germline. Not counted in ClinVar's aggregate classification.